The following is an entry in ClinVar:

ClinVar aggregate classification (germline): Uncertain significance (1 of 4 stars; one submission).

Conditions:
Arrhythmogenic right ventricular dysplasia 12. Also called: ARRHYTHMOGENIC RIGHT VENTRICULAR DYSPLASIA, FAMILIAL, 12. Identifiers: MedGen C1969081, MONDO:0012684, OMIM 611528.
Naxos disease (NXD). Also called: MAL DE NAXOS; PALMOPLANTAR KERATODERMA WITH ARRHYTHMOGENIC RIGHT VENTRICULAR CARDIOMYOPATHY AND WOOLLY HAIR; WOOLLY HAIR, PALMOPLANTAR KERATODERMA, AND CARDIAC ABNORMALITIES; CARDIOMYOPATHY, ARRHYTHMOGENIC RIGHT VENTRICULAR, WITH SKIN, HAIR, AND NAIL ABNORMALITIES; KERATOSIS PALMOPLANTARIS WITH ARRHYTHMOGENIC CARDIOMYOPATHY. Identifiers: Orphanet 34217, MedGen C1832600, MONDO:0011017, OMIM 601214.

Submission:

Labcorp Genetics (formerly Invitae), Labcorp
Classification: Uncertain significance for Arrhythmogenic right ventricular dysplasia 12; Naxos disease. Last evaluated: 2022-02-20. Review status: criteria provided, single submitter. Criteria: Invitae Variant Classification Sherloc (09022015). Collection method: clinical testing. Allele origin: germline.
Comment: In summary, the available evidence is currently insufficient to determine the role of this variant in disease. Therefore, it has been classified as a Variant of Uncertain Significance. Variants that disrupt the consensus splice site are a relatively common cause of aberrant splicing (PMID: 17576681, 9536098). Algorithms developed to predict the effect of sequence changes on RNA splicing suggest that this variant may create or strengthen a splice site. This variant has not been reported in the literature in individuals affected with JUP-related conditions. This variant is not present in population databases (gnomAD no frequency). This sequence change affects codon 551 of the JUP mRNA. It is a 'silent' change, meaning that it does not change the encoded amino acid sequence of the JUP protein. This variant also falls at the last nucleotide of exon 9, which is part of the consensus splice site for this exon.

Literature cited by the submitters: PubMed 17576681; PubMed 9536098.

NM_002230.4(JUP):c.1653G>T (p.Thr551=)

Gene: JUP (junction plakoglobin; minus strand). Cytogenetic location: 17q21.2.
Variant type: single nucleotide variant.
Coding change: c.1653G>T on transcript NM_002230.4 (MANE Select); coding-DNA position 1653, G replaced by T.
Protein change: p.Thr551=; no amino-acid change (threonine 551 retained).
Molecular consequence: synonymous variant.
Genome position (GRCh38, 1-based): chr17:41,758,715, C>A on the plus strand (G>T on the coding strand, the complement: JUP is on the minus strand). VCF-style: chr17-41758715-C-A. GRCh37 (hg19) VCF-style: chr17-39914967-C-A.
Other names: c.1653G>T, p.Thr551= (NM_001352773.2, NM_001352774.2, NM_001352775.2 and 3 more transcripts).
Identifiers: ClinVar variation 2100650 (VCV002100650.4), dbSNP rs782044013, ClinGen allele CA500023057.
Genomic context (GRCh38, chr17:41,758,715, plus strand): 5'-CCCACAGAGGACACCCTGACCCCCCAGGAAGGCTGTCAGAGGCACCACCAGCTCACATAC[C>A]GTGTAGGGCTGCTGTGTGCCTGCAGCTACGTGGCGCTGGGCATCCTGGTGGGCCTTCACC-3'
Protein context (NP_002221.1, residues 541-561): HVAAGTQQPY[Thr551=]DGVRMEEIVE